The following is an entry in ClinVar:

ClinVar aggregate classification (germline): Benign. Review status: criteria provided, multiple submitters, no conflicts (2 of 4 stars). 4 submissions from 4 submitters: Benign (4). Last evaluated 2026-02-03.

Conditions:
RFT1-congenital disorder of glycosylation (CDG1N). Also called: CDG In; RFT1-CDG; Congenital disorder of glycosylation type In. Identifiers: Orphanet 244310, MedGen C2677590, MONDO:0012783, OMIM 612015.

Allele frequency attached by ClinVar (database versions not stated): gnomAD exomes 0.00439 and 0.01161; ExAC 0.01677; gnomAD 0.04531 and 0.04860; TOPMed 0.05101; ESP Exome Variant Server 0.05313; 1000 Genomes Project 0.05531; 1000 Genomes Project 30x 0.05809.
gnomAD v4.1: 13,591 of 1,612,264 alleles (0.84%); highest among the groups gnomAD compares: African/African-American, 16%; 1,049 homozygotes.

Submissions (4):

Labcorp Genetics (formerly Invitae), Labcorp
Classification: Benign for RFT1-congenital disorder of glycosylation. Last evaluated: 2026-02-03. Review status: criteria provided, single submitter. Criteria: Invitae Variant Classification Sherloc (09022015). Collection method: clinical testing. Allele origin: germline.

Illumina Laboratory Services, Illumina
Classification: Benign for RFT1-congenital disorder of glycosylation. Last evaluated: 2018-01-13. Review status: criteria provided, single submitter. Criteria: ICSL Variant Classification Criteria 13 December 2019. Collection method: clinical testing. Allele origin: germline.
Comment: This variant was observed in the ICSL laboratory as part of a predisposition screen in an ostensibly healthy population. It had not been previously curated by ICSL or reported in the Human Gene Mutation Database (HGMD: prior to June 1st, 2018), and was therefore a candidate for classification through an automated scoring system. Utilizing variant allele frequency, disease prevalence and penetrance estimates, and inheritance mode, an automated score was calculated to assess if this variant is too frequent to cause the disease. Based on the score and internal cut-off values, a variant classified as benign is not then subjected to further curation. The score for this variant resulted in a classification of benign for this disease.

GeneDx
Classification: Benign. Last evaluated: 2016-02-09. Review status: criteria provided, single submitter. Criteria: GeneDx Variant Classification (06012015). Collection method: clinical testing. Allele origin: germline. Affected: yes.
Comment: This variant is considered likely benign or benign based on one or more of the following criteria: it is a conservative change, it occurs at a poorly conserved position in the protein, it is predicted to be benign by multiple in silico algorithms, and/or has population frequency not consistent with disease.

Breakthrough Genomics
Classification: Benign. Review status: criteria provided, single submitter. Criteria: ACMG Guidelines, 2015. Collection method: not provided. Allele origin: germline. Inheritance: Autosomal recessive inheritance. Affected: yes.

NM_052859.4(RFT1):c.553G>A (p.Ala185Thr)

Gene: RFT1 (RFT1 glycolipid translocator homolog; minus strand). Cytogenetic location: 3p21.1.
Variant type: single nucleotide variant.
Coding change: c.553G>A on transcript NM_052859.4 (MANE Select); coding-DNA position 553, G replaced by A.
Protein change: p.Ala185Thr; replaces alanine 185 with threonine.
Molecular consequence: missense variant.
Genome position (GRCh38, 1-based): chr3:53,121,704, C>T on the plus strand (G>A on the coding strand, the complement: RFT1 is on the minus strand). VCF-style: chr3-53121704-C-T. GRCh37 (hg19) VCF-style: chr3-53155720-C-T.
Other names: short protein forms A185T.
Identifiers: ClinVar variation 346196 (VCV000346196.13), dbSNP rs35221142, ClinGen allele CA2451425.